The following is an entry in ClinVar:

ClinVar aggregate classification (germline): Likely benign (0 of 4 stars; one submission).

Conditions:
PLXNA4-related disorder. Also called: PLXNA4-related condition.

Allele frequency attached by ClinVar (database versions not stated): ExAC 0.00002; gnomAD exomes 0.00003; gnomAD 0.00005; TOPMed 0.00006; ESP Exome Variant Server 0.00008.
gnomAD v4.1: 49 of 1,613,870 alleles (0.003%); highest among the groups gnomAD compares: African/African-American, 0.012%; no homozygotes.

Submission:

PreventionGenetics, part of Exact Sciences
Classification: Likely benign for PLXNA4-related condition. Last evaluated: 2022-12-15. Review status: no assertion criteria provided. Collection method: clinical testing. Allele origin: germline.
Comment: This variant is classified as likely benign based on ACMG/AMP sequence variant interpretation guidelines (Richards et al. 2015 PMID: 25741868, with internal and published modifications).

NM_020911.2(PLXNA4):c.1938C>T (p.Phe646=)

Gene: PLXNA4 (plexin A4; minus strand). Cytogenetic location: 7q32.3.
Variant type: single nucleotide variant.
Coding change: c.1938C>T on transcript NM_020911.2 (MANE Select); coding-DNA position 1938, C replaced by T.
Protein change: p.Phe646=; no amino-acid change (phenylalanine 646 retained).
Molecular consequence: synonymous variant.
Genome position (GRCh38, 1-based): chr7:132,226,205, G>A on the plus strand (C>T on the coding strand, the complement: PLXNA4 is on the minus strand). VCF-style: chr7-132226205-G-A. GRCh37 (hg19) VCF-style: chr7-131910964-G-A.
Other names: c.1938C>T, p.Phe646= (NM_001393897.1).
Identifiers: ClinVar variation 3053959 (VCV003053959.2), dbSNP rs367615198, ClinGen allele CA4489947.